The following is an entry in ClinVar:

NM_144997.7(FLCN):c.1099C>A (p.His367Asn)

Gene: FLCN (folliculin; minus strand). Cytogenetic location: 17p11.2.
Variant type: single nucleotide variant.
Coding change: c.1099C>A on transcript NM_144997.7 (MANE Select); coding-DNA position 1099, C replaced by A.
Protein change: p.His367Asn; replaces histidine 367 with asparagine.
Molecular consequence: missense variant.
Genome position (GRCh38, 1-based): chr17:17,217,146, G>T on the plus strand (C>A on the coding strand, the complement: FLCN is on the minus strand). VCF-style: chr17-17217146-G-T. GRCh37 (hg19) VCF-style: chr17-17120460-G-T.
Other names: c.1153C>A, p.His385Asn (NM_001353229.2); c.1099C>A, p.His367Asn (NM_001353230.2, NM_001353231.2); short protein forms H367N, H385N.
Identifiers: ClinVar variation 1791474 (VCV001791474.2), dbSNP rs2544173619, ClinGen allele CA398532335.

ClinVar aggregate classification (germline): Uncertain significance (1 of 4 stars; one submission).

Conditions:
Hereditary cancer-predisposing syndrome. Also called: Hereditary Cancer Syndrome; Hereditary neoplastic syndrome; Tumor predisposition; Neoplastic Syndromes, Hereditary. Identifiers: Orphanet 140162, MedGen C0027672, MeSH D009386, MONDO:0015356.

Submission:

Ambry Genetics
Classification: Uncertain significance for Hereditary cancer-predisposing syndrome. Last evaluated: 2020-07-09. Review status: criteria provided, single submitter. Criteria: Ambry Variant Classification Scheme 2023. Collection method: clinical testing. Allele origin: germline.
Comment: The p.H367N variant (also known as c.1099C>A), located in coding exon 7 of the FLCN gene, results from a C to A substitution at nucleotide position 1099. The histidine at codon 367 is replaced by asparagine, an amino acid with similar properties. This amino acid position is highly conserved in available vertebrate species. In addition, the in silico prediction for this alteration is inconclusive. Since supporting evidence is limited at this time, the clinical significance of this alteration remains unclear.